The following is an entry in ClinVar:

ClinVar aggregate classification (germline): Likely benign (0 of 4 stars; one submission).

Conditions:
PLXNA3-related disorder. Also called: PLXNA3-related condition.

Allele frequency attached by ClinVar (database versions not stated): ExAC 0.00016; ESP Exome Variant Server 0.00047; gnomAD 0.00058; TOPMed 0.00064.
gnomAD v4.1: 133 of 1,210,361 alleles (0.011%); highest among the groups gnomAD compares: African/African-American, 0.19%; no homozygotes.

Submission:

PreventionGenetics, part of Exact Sciences
Classification: Likely benign for PLXNA3-related condition. Last evaluated: 2021-07-05. Review status: no assertion criteria provided. Collection method: clinical testing. Allele origin: germline.
Comment: This variant is classified as likely benign based on ACMG/AMP sequence variant interpretation guidelines (Richards et al. 2015 PMID: 25741868, with internal and published modifications).

NM_017514.5(PLXNA3):c.2800-4G>A

Gene: PLXNA3 (plexin A3; plus strand). Cytogenetic location: Xq28.
Variant type: single nucleotide variant.
Coding change: c.2800-4G>A on transcript NM_017514.5 (MANE Select); 4 bases into the intron before coding-DNA position 2800, G replaced by A.
Molecular consequence: intron variant.
Genome position (GRCh38, 1-based): chrX:154,466,372, G>A. VCF-style: chrX-154466372-G-A. GRCh37 (hg19) VCF-style: chrX-153694715-G-A.
Identifiers: ClinVar variation 3054133 (VCV003054133.2), dbSNP rs374032775, ClinGen allele CA10564491.